The following is an entry in ClinVar:

NM_000321.3(RB1):c.534_539+5del

Gene: RB1 (RB transcriptional corepressor 1; plus strand). Cytogenetic location: 13q14.2.
Variant type: Deletion.
Coding change: c.534_539+5del on transcript NM_000321.3 (MANE Select); coding-DNA position 534 through 5 bases into the intron after coding-DNA position 539, 11 bases deleted (CAGTTCGTAAG).
Molecular consequence: splice donor variant.
Genome position (GRCh38, 1-based): chr13:48,347,858-48,347,868, CAGTTCGTAAG deleted; deleting any 11 consecutive bases within chr13:48,347,856-48,347,868 gives the same sequence; the c. name uses the placement nearest the transcript's 3' end. VCF-style (leftmost placement, unchanged base first): chr13-48347855-CAGCAGTTCGTA-C. GRCh37 (hg19) VCF-style: chr13-48921991-CAGCAGTTCGTA-C.
Identifiers: ClinVar variation 2019837 (VCV002019837.4), dbSNP rs2542163744, ClinGen allele CA2580088112.
Genomic context (GRCh38, chr13:48,347,855, plus strand): 5'-GTTAAAAAGTCATAATGTTTTTCTTTTCAGGACATGTGAACTTATATATTTGACACAACC[CAGCAGTTCGTA>C]AGTAGTTCACAGAATGTTATTTTTCACTTAAAAAAAAAGATTTTTATGGAATAATCTCAA-3'

ClinVar aggregate classification (germline): Likely pathogenic (1 of 4 stars; one submission).

Conditions:
Retinoblastoma (RB1). Also called: RETINOBLASTOMA, SOMATIC. Identifiers: Orphanet 790, MedGen C0035335, MeSH D012175, MONDO:0008380, OMIM 180200, HP:0009919. Disease mechanism: loss of function. Inheritance: Both sporadic and heritable forms are tested..

Submission:

Labcorp Genetics (formerly Invitae), Labcorp
Classification: Likely pathogenic for Retinoblastoma. Last evaluated: 2022-07-27. Review status: criteria provided, single submitter. Criteria: Invitae Variant Classification Sherloc (09022015). Collection method: clinical testing. Allele origin: germline.
Comment: This variant results in the deletion of part of exon 5 (c.534_539+5del) of the RB1 gene. It is expected to disrupt RNA splicing. Variants that disrupt the donor or acceptor splice site typically lead to a loss of protein function (PMID: 16199547), and loss-of-function variants in RB1 are known to be pathogenic (PMID: 17096365). This variant is not present in population databases (gnomAD no frequency). This variant has not been reported in the literature in individuals affected with RB1-related conditions. Algorithms developed to predict the effect of sequence changes on RNA splicing suggest that this variant may disrupt the consensus splice site. In summary, the currently available evidence indicates that the variant is pathogenic, but additional data are needed to prove that conclusively. Therefore, this variant has been classified as Likely Pathogenic.

Literature cited by the submitters: PubMed 16199547; PubMed 17096365.